The following is an entry in ClinVar:

NM_005559.4(LAMA1):c.2443G>A (p.Val815Ile)

Gene: LAMA1 (laminin subunit alpha 1; minus strand). Cytogenetic location: 18p11.31.
Variant type: single nucleotide variant.
Coding change: c.2443G>A on transcript NM_005559.4 (MANE Select); coding-DNA position 2443, G replaced by A.
Protein change: p.Val815Ile; replaces valine 815 with isoleucine.
Molecular consequence: missense variant.
Genome position (GRCh38, 1-based): chr18:7,024,426, C>T on the plus strand (G>A on the coding strand, the complement: LAMA1 is on the minus strand). VCF-style: chr18-7024426-C-T. GRCh37 (hg19) VCF-style: chr18-7024425-C-T.
Other names: short protein forms V815I.
Identifiers: ClinVar variation 2723663 (VCV002723663.3), dbSNP rs370325715, ClinGen allele CA295786691.
Genomic context (GRCh38, chr18:7,024,426, plus strand): 5'-TGGATGCAGAGTACCTCTCACACCAAGCTCCTGAGTAGCCCGGGGCACACCAGTCACAGA[C>T]CACTTCATCTCCATCATTGAGGTGGCAGGTGGGGCTGAAACTGTCAAAACATTAGAAATG-3'
Protein context (NP_005550.2, residues 805-825): TCHLNDGDEV[Val815Ile]CDWCAPGYSG

ClinVar aggregate classification (germline): Uncertain significance (1 of 4 stars; one submission).

Allele frequency attached by ClinVar (database versions not stated): gnomAD exomes below 0.00001.
gnomAD v4.1: 1 of 1,614,118 alleles (0.000062%); highest among the groups gnomAD compares: East Asian, 0.0022%; no homozygotes.

Submission:

Labcorp Genetics (formerly Invitae), Labcorp
Classification: Uncertain significance. Last evaluated: 2023-07-25. Review status: criteria provided, single submitter. Criteria: Invitae Variant Classification Sherloc (09022015). Collection method: clinical testing. Allele origin: germline.
Comment: In summary, the available evidence is currently insufficient to determine the role of this variant in disease. Therefore, it has been classified as a Variant of Uncertain Significance. Algorithms developed to predict the effect of missense changes on protein structure and function output the following: SIFT: "Not Available"; PolyPhen-2: "Benign"; Align-GVGD: "Not Available". The isoleucine amino acid residue is found in multiple mammalian species, which suggests that this missense change does not adversely affect protein function. This variant has not been reported in the literature in individuals affected with LAMA1-related conditions. This sequence change replaces valine, which is neutral and non-polar, with isoleucine, which is neutral and non-polar, at codon 815 of the LAMA1 protein (p.Val815Ile). This variant is not present in population databases (gnomAD no frequency).